The following is an entry in ClinVar:

ClinVar aggregate classification (germline): Likely pathogenic (1 of 4 stars; one submission).

Conditions:
Epidermolysis bullosa dystrophica. Also called: Dystrophic epidermolysis bullosa, Hallopeau-Siemens type (formerly); Dystrophic epidermolysis bullosa. Identifiers: Orphanet 303, MedGen C0079294, MONDO:0006543.

Submission:

Natera, Inc.
Classification: Likely pathogenic for Dystrophic epidermolysis bullosa. Last evaluated: 2025-09-16. Review status: criteria provided, single submitter. Criteria: Natera Variant Classification Schema (03/2026). Collection method: clinical testing. Allele origin: germline.
Comment: The c.6770G>T variant in COL7A1 is a missense variant predicted to cause substitution of glycine to valine at amino acid 2257. This variant is rare in the general population with a frequency below the threshold expected for the associated phenotype(s). This variant has been observed in affected individual(s) with monoallelic occurrence (heterozygous/hemizygous) (PMID: 27130450, 16971478). This variant has been identified in one or more affected individual with a phenotype highly consistent with the associated gene (PMID: 27130450). A different variant at the same position has been determined to be Pathogenic or Likely Pathogenic. Given the available evidence, this variant is classified as Likely Pathogenic.

Literature cited by the submitters: PubMed 27130450; PubMed 16971478.

NM_000094.4(COL7A1):c.6770G>T (p.Gly2257Val)

Gene: COL7A1 (collagen type VII alpha 1 chain; minus strand). Cytogenetic location: 3p21.31.
Variant type: single nucleotide variant.
Coding change: c.6770G>T on transcript NM_000094.4 (MANE Select); coding-DNA position 6770, G replaced by T.
Protein change: p.Gly2257Val; replaces glycine 2257 with valine.
Molecular consequence: missense variant.
Genome position (GRCh38, 1-based): chr3:48,572,923, C>A on the plus strand (G>T on the coding strand, the complement: COL7A1 is on the minus strand). VCF-style: chr3-48572923-C-A. GRCh37 (hg19) VCF-style: chr3-48610356-C-A.
Other names: short protein forms G2257V.
Identifiers: ClinVar variation 4817395 (VCV004817395.1).
Genomic context (GRCh38, chr3:48,572,923, plus strand): 5'-GGCACACCAGGGCTCCCTCTGTCTCCATCTTTTCCACTGGCACCATCTCGACCTGGGGCT[C>A]CCGGCTTCCCTGTCTCCCCCTGAGAGGGAAGAGCTCTGTCAGGGCTGCCTGTCGACCCTT-3'
Protein context (NP_000085.1, residues 2247-2267): PGQVGETGKP[Gly2257Val]APGRDGASGK